The following is an entry in ClinVar:

ClinVar aggregate classification (germline): Pathogenic. Review status: criteria provided, single submitter (1 of 4 stars). 3 submissions from 3 submitters: Pathogenic (1). 2 of the submissions do not count toward it. Last evaluated 2025-09-02.

Conditions:
Niemann-Pick disease, type C1. Also called: NIEMANN-PICK DISEASE, VARIANT TYPE C1; NEUROVISCERAL STORAGE DISEASE WITH VERTICAL SUPRANUCLEAR OPHTHALMOPLEGIA; NIEMANN-PICK DISEASE WITH CHOLESTEROL ESTERIFICATION BLOCK; NIEMANN-PICK DISEASE WITHOUT SPHINGOMYELINASE DEFICIENCY; NIEMANN-PICK DISEASE, CHRONIC NEURONOPATHIC FORM. Identifiers: Orphanet 646, MedGen C3179455, MONDO:0009757, OMIM 257220.

Submissions (3):

Natera, Inc.
Classification: Pathogenic for Niemann-Pick disease type C1. Last evaluated: 2025-09-02. Review status: criteria provided, single submitter. Criteria: Natera Variant Classification Schema (03/2026). Collection method: clinical testing. Allele origin: germline.
Comment: The c.1800delC variant in NPC1 is a frameshift variant predicted to shift the reading frame beginning at codon 601 and leads to a stop codon 13 codons downstream. This variant is expected to result in nonsense mediated decay, truncation, or a dysfunctional protein product. This variant is rare in the general population with a frequency below the threshold expected for the associated phenotype(s). This variant has been observed in one or more individuals affected with the associated recessive disease, as either homozygous or compound heterozygous with a second variant (PMID: 32709131). Given the available evidence, this variant is classified as Pathogenic.

Counsyl
Classification: Likely pathogenic for Niemann-Pick disease, type C1. Last evaluated: 2017-02-21. Review status: no assertion criteria provided. Collection method: clinical testing. Allele origin: unknown. Not counted in ClinVar's aggregate classification.

Shanghain Institute for Pediatric Research
Classification: Pathogenic for Niemann-Pick disease type C1. Review status: no assertion criteria provided. Collection method: not provided. Allele origin: germline. Not counted in ClinVar's aggregate classification.
ClinVar note: Converted during submission from pathogenic to Pathogenic.

Literature cited by the submitters: PubMed 32709131 (cited by Natera, Inc.); PubMed 24915861 (cited by Counsyl).

NM_000271.5(NPC1):c.1800del (p.Ile601fs)

Gene: NPC1 (NPC intracellular cholesterol transporter 1; minus strand). Cytogenetic location: 18q11.2.
Variant type: Deletion.
Coding change: c.1800del on transcript NM_000271.5 (MANE Select); coding-DNA position 1800, one base deleted (C; older notation c.1800delC).
Protein change: p.Ile601fs; shifts the reading frame from isoleucine 601.
Molecular consequence: frameshift variant.
Genome position (GRCh38, 1-based): chr18:23,545,107, G deleted on the plus strand (C on the coding strand, the reverse complement: NPC1 is on the minus strand); the first of 2 consecutive G bases (chr18:23,545,107-23,545,108); deleting either gives the same sequence. VCF-style (leftmost placement, unchanged base first): chr18-23545106-TG-T. GRCh37 (hg19) VCF-style: chr18-21125070-TG-T.
Other names: short protein forms I601fs.
Identifiers: ClinVar variation 132891 (VCV000132891.4), dbSNP rs483352879, ClinGen allele CA269820.
Genomic context (GRCh38, chr18:23,545,106, plus strand): 5'-CATCACTGTCACTTTCACGATTTAGTTCATCTTCAATACTTCGTTCAGCAGTGAAGGAAA[TG>T]GTCAGATTGGGATTCTTGTAGTTTTTCACAAAATTAATAAACCTAAAAGGTAAGCAAAAT-3'